The following is an entry in ClinVar:

NM_017849.4(TMEM127):c.146C>T (p.Ala49Val)

Gene: TMEM127 (transmembrane protein 127; minus strand). Cytogenetic location: 2q11.2.
Variant type: single nucleotide variant.
Coding change: c.146C>T on transcript NM_017849.4 (MANE Select); coding-DNA position 146, C replaced by T.
Protein change: p.Ala49Val; replaces alanine 49 with valine.
Molecular consequence: missense variant. On other transcripts: intron variant (1).
Genome position (GRCh38, 1-based): chr2:96,265,236, G>A on the plus strand (C>T on the coding strand, the complement: TMEM127 is on the minus strand). VCF-style: chr2-96265236-G-A. GRCh37 (hg19) VCF-style: chr2-96930974-G-A.
Other names: c.146C>T, p.Ala49Val (NM_001193304.3); c.-9+633C>T (NM_001407283.1); short protein forms A49V.
Identifiers: ClinVar variation 3604330 (VCV003604330.2).

ClinVar aggregate classification (germline): Uncertain significance (1 of 4 stars; one submission).

Conditions:
Hereditary pheochromocytoma and paraganglioma. Also called: Hereditary paragangliomas and pheochromocytomas; Hereditary Paraganglioma-Pheochromocytoma Syndromes; Hereditary pheochromocytoma-paraganglioma. Identifiers: Orphanet 29072, MedGen C4274332, MONDO:0017366.

Submission:

Labcorp Genetics (formerly Invitae), Labcorp
Classification: Uncertain significance for Hereditary pheochromocytoma and paraganglioma. Last evaluated: 2024-12-23. Review status: criteria provided, single submitter. Criteria: Invitae Variant Classification Sherloc (09022015). Collection method: clinical testing. Allele origin: germline.
Comment: This sequence change replaces alanine, which is neutral and non-polar, with valine, which is neutral and non-polar, at codon 49 of the TMEM127 protein (p.Ala49Val). This variant is not present in population databases (gnomAD no frequency). This variant has not been reported in the literature in individuals affected with TMEM127-related conditions. An algorithm developed to predict the effect of missense changes on protein structure and function (PolyPhen-2) suggests that this variant is likely to be disruptive. In summary, the available evidence is currently insufficient to determine the role of this variant in disease. Therefore, it has been classified as a Variant of Uncertain Significance.